The following is an entry in ClinVar:

ClinVar aggregate classification (germline): Uncertain significance (1 of 4 stars; one submission).

gnomAD v4.1: 1 of 1,613,660 alleles (0.000062%); highest among the groups gnomAD compares: Non-Finnish European, 0.000085%; no homozygotes.

Submission:

GeneDx
Classification: Uncertain significance. Last evaluated: 2023-12-19. Review status: criteria provided, single submitter. Criteria: GeneDx Variant Classification Process June 2021. Collection method: clinical testing. Allele origin: germline. Affected: yes.
Comment: Not observed at significant frequency in large population cohorts (gnomAD); In silico analysis supports that this missense variant has a deleterious effect on protein structure/function; Has not been previously published as pathogenic or benign to our knowledge

NM_015057.5(MYCBP2):c.1745T>C (p.Ile582Thr)

Gene: MYCBP2 (MYC binding protein 2; minus strand). Cytogenetic location: 13q22.3.
Variant type: single nucleotide variant.
Coding change: c.1745T>C on transcript NM_015057.5 (MANE Select); coding-DNA position 1745, T replaced by C.
Protein change: p.Ile582Thr; replaces isoleucine 582 with threonine.
Molecular consequence: missense variant.
Genome position (GRCh38, 1-based): chr13:77,261,278, A>G on the plus strand (T>C on the coding strand, the complement: MYCBP2 is on the minus strand). VCF-style: chr13-77261278-A-G. GRCh37 (hg19) VCF-style: chr13-77835413-A-G.
Other names: short protein forms I582T.
Identifiers: ClinVar variation 3365787 (VCV003365787.1).